The following is an entry in ClinVar:

NM_001374353.1(GLI2):c.4339G>A (p.Gly1447Arg)

Gene: GLI2 (GLI family zinc finger 2; plus strand). Cytogenetic location: 2q14.2.
Variant type: single nucleotide variant.
Coding change: c.4339G>A on transcript NM_001374353.1 (MANE Select); coding-DNA position 4339, G replaced by A.
Protein change: p.Gly1447Arg; replaces glycine 1447 with arginine.
Molecular consequence: missense variant.
Genome position (GRCh38, 1-based): chr2:120,990,304, G>A. VCF-style: chr2-120990304-G-A. GRCh37 (hg19) VCF-style: chr2-121747880-G-A.
Other names: c.4390G>A, p.Gly1464Arg (NM_001371271.1, NM_005270.5); c.3964G>A, p.Gly1322Arg (NM_001374354.1); short protein forms G1322R, G1447R, G1464R.
Identifiers: ClinVar variation 1319874 (VCV001319874.7), dbSNP rs200274772, ClinGen allele CA54386216.

ClinVar aggregate classification (germline): Uncertain significance. Review status: criteria provided, multiple submitters, no conflicts (2 of 4 stars). 4 submissions from 4 submitters: Uncertain significance (4). Last evaluated 2024-12-18.

Conditions:
Postaxial polydactyly-anterior pituitary anomalies-facial dysmorphism syndrome. Also called: Culler-Jones syndrome. Identifiers: Orphanet 420584, MedGen C4014479, MONDO:0014369, OMIM 615849.
Holoprosencephaly 9 (HPE9). Also called: PITUITARY ANOMALIES WITH HOLOPROSENCEPHALY-LIKE FEATURES; HOLOPROSENCEPHALY WITH MICROPHTHALMIA AND FIRST BRANCHIAL ARCH ANOMALIES. Identifiers: Orphanet 2162, MedGen C1835819, MONDO:0012563, OMIM 610829.

Allele frequency attached by ClinVar (database versions not stated): gnomAD exomes 0.00002; gnomAD 0.00004 and 0.00005; TOPMed 0.00005; ESP Exome Variant Server 0.00008.
gnomAD v4.1: 151 of 1,613,560 alleles (0.0094%); highest among the groups gnomAD compares: Non-Finnish European, 0.012%; no homozygotes.

Submissions (4):

Labcorp Genetics (formerly Invitae), Labcorp
Classification: Uncertain significance for Postaxial polydactyly-anterior pituitary anomalies-facial dysmorphism syndrome; Holoprosencephaly 9. Last evaluated: 2024-12-18. Review status: criteria provided, single submitter. Criteria: Invitae Variant Classification Sherloc (09022015). Collection method: clinical testing. Allele origin: germline.
Comment: This sequence change replaces glycine, which is neutral and non-polar, with arginine, which is basic and polar, at codon 1464 of the GLI2 protein (p.Gly1464Arg). This variant is present in population databases (rs200274772, gnomAD 0.004%). This variant has not been reported in the literature in individuals affected with GLI2-related conditions. ClinVar contains an entry for this variant (Variation ID: 1319874). Invitae Evidence Modeling of protein sequence and biophysical properties (such as structural, functional, and spatial information, amino acid conservation, physicochemical variation, residue mobility, and thermodynamic stability) indicates that this missense variant is expected to disrupt GLI2 protein function with a positive predictive value of 80%. In summary, the available evidence is currently insufficient to determine the role of this variant in disease. Therefore, it has been classified as a Variant of Uncertain Significance.

Fulgent Genetics
Classification: Uncertain significance for Holoprosencephaly 9; Postaxial polydactyly-anterior pituitary anomalies-facial dysmorphism syndrome. Last evaluated: 2024-04-15. Review status: criteria provided, single submitter. Criteria: ACMG Guidelines, 2015. Collection method: clinical testing. Allele origin: germline.

Institute for Clinical Genetics, University Hospital TU Dresden, University Hospital TU Dresden
Classification: Uncertain significance. Last evaluated: 2021-11-03. Review status: criteria provided, single submitter. Criteria: ACMG Guidelines, 2015. Collection method: clinical testing. Allele origin: germline.

Department of Pathology and Laboratory Medicine, Sinai Health System
Classification: Uncertain significance for Holoprosencephaly 9; Postaxial polydactyly-anterior pituitary anomalies-facial dysmorphism syndrome. Last evaluated: 2020-08-10. Review status: criteria provided, single submitter. Criteria: ACMG Guidelines, 2015. Collection method: research. Allele origin: germline.